The following is an entry in ClinVar:

NM_001291303.3(FAT4):c.10737del (p.Ile3579fs)

Gene: FAT4 (FAT atypical cadherin 4; plus strand). Cytogenetic location: 4q28.1.
Variant type: Deletion.
Coding change: c.10737del on transcript NM_001291303.3 (MANE Select); coding-DNA position 10737, one base deleted (T; older notation c.10737delT).
Protein change: p.Ile3579fs; shifts the reading frame from isoleucine 3579.
Molecular consequence: frameshift variant.
Genome position (GRCh38, 1-based): chr4:125,451,747, T deleted; the last of 2 consecutive T bases (chr4:125,451,746-125,451,747); deleting either gives the same sequence. VCF-style (leftmost placement, unchanged base first): chr4-125451745-AT-A. GRCh37 (hg19) VCF-style: chr4-126372900-AT-A.
Other names: c.10737del, p.Ile3579fs (NM_001291285.3, NM_001438396.1, NM_001438397.1); c.5508del, p.Ile1836fs (NM_001437895.1); c.10731del, p.Ile3577fs (NM_024582.6); short protein forms I3577fs, I1836fs, I3579fs.
Identifiers: ClinVar variation 4722691 (VCV004722691.1).

ClinVar aggregate classification (germline): Pathogenic (1 of 4 stars; one submission).

Submission:

Labcorp Genetics (formerly Invitae), Labcorp
Classification: Pathogenic. Last evaluated: 2025-07-13. Review status: criteria provided, single submitter. Criteria: Invitae Variant Classification Sherloc (09022015). Collection method: clinical testing. Allele origin: germline.
Comment: This sequence change creates a premature translational stop signal (p.Ile3577Metfs*29) in the FAT4 gene. It is expected to result in an absent or disrupted protein product. Loss-of-function variants in FAT4 are known to be pathogenic (PMID: 24056717, 24913602). This variant is not present in population databases (gnomAD no frequency). This variant has not been reported in the literature in individuals affected with FAT4-related conditions. For these reasons, this variant has been classified as Pathogenic.

Literature cited by the submitters: PubMed 24056717; PubMed 24913602.